The following is an entry in ClinVar:

NM_001194998.2(CEP152):c.-77G>C

Gene: CEP152 (centrosomal protein 152; minus strand). Cytogenetic location: 15q21.1.
Variant type: single nucleotide variant.
Coding change: c.-77G>C on transcript NM_001194998.2 (MANE Select); 77 bases upstream of the start codon, G replaced by C.
Molecular consequence: 5 prime UTR variant.
Genome position (GRCh38, 1-based): chr15:48,811,030, C>G on the plus strand (G>C on the coding strand, the complement: CEP152 is on the minus strand). VCF-style: chr15-48811030-C-G. GRCh37 (hg19) VCF-style: chr15-49103227-C-G.
Other names: c.-77G>C (NM_014985.4).
Identifiers: ClinVar variation 316435 (VCV000316435.5), dbSNP rs141463032, ClinGen allele CA10642121.

ClinVar aggregate classification (germline): Conflicting classifications of pathogenicity. Review status: criteria provided, conflicting classifications (1 of 4 stars). 2 submissions from 1 submitter: Uncertain significance (1); Likely benign (1). Last evaluated 2018-01-13.

Conditions:
Microcephaly 9, primary, autosomal recessive. Identifiers: Orphanet 2512, MedGen C3553886, MONDO:0013923, OMIM 614852.
Seckel syndrome 5 (SCKL5). Identifiers: Orphanet 808, MedGen C3151187, MONDO:0013443, OMIM 613823.

Allele frequency attached by ClinVar (database versions not stated): 1000 Genomes Project 30x 0.00187; 1000 Genomes Project 0.00200; TOPMed 0.00246.

Submissions (2):

Illumina Laboratory Services, Illumina
Classification: Uncertain significance for Microcephaly 9, primary, autosomal recessive. Last evaluated: 2018-01-13. Review status: criteria provided, single submitter. Criteria: ICSL Variant Classification Criteria 13 December 2019. Collection method: clinical testing. Allele origin: germline.

Illumina Laboratory Services, Illumina
Classification: Likely benign for Seckel syndrome 5. Last evaluated: 2018-01-13. Review status: criteria provided, single submitter. Criteria: ICSL Variant Classification Criteria 13 December 2019. Collection method: clinical testing. Allele origin: germline.
Comment: This variant was observed in the ICSL laboratory as part of a predisposition screen in an ostensibly healthy population. It had not been previously curated by ICSL or reported in the Human Gene Mutation Database (HGMD: prior to June 1st, 2018), and was therefore a candidate for classification through an automated scoring system. Utilizing variant allele frequency, disease prevalence and penetrance estimates, and inheritance mode, an automated score was calculated to assess if this variant is too frequent to cause the disease. Based on the score and internal cut-off values, a variant classified as likely benign is not then subjected to further curation. The score for this variant resulted in a classification of likely benign for this disease.